The following is an entry in ClinVar:

ClinVar aggregate classification (germline): Pathogenic (1 of 4 stars; one submission).

Submission:

Labcorp Genetics (formerly Invitae), Labcorp
Classification: Pathogenic. Last evaluated: 2024-04-18. Review status: criteria provided, single submitter. Criteria: Invitae Variant Classification Sherloc (09022015). Collection method: clinical testing. Allele origin: germline.
Comment: This sequence change creates a premature translational stop signal (p.Tyr147*) in the GNAS gene. It is expected to result in an absent or disrupted protein product. Loss-of-function variants in GNAS are known to be pathogenic (PMID: 11784876, 23281139, 23796510, 25802881). This variant is not present in population databases (gnomAD no frequency). This variant has not been reported in the literature in individuals affected with GNAS-related conditions. For these reasons, this variant has been classified as Pathogenic.

Literature cited by the submitters: PubMed 11784876; PubMed 23281139; PubMed 23796510; PubMed 25802881.

NM_000516.7(GNAS):c.441del (p.Phe146_Tyr147insTer)

Gene: GNAS (GNAS complex locus; plus strand). Cytogenetic location: 20q13.32.
Variant type: Deletion.
Coding change: c.441del on transcript NM_000516.7 (MANE Select); coding-DNA position 441, one base deleted (T; older notation c.441delT).
Protein change: p.Phe146_Tyr147insTer.
Molecular consequence: nonsense. On other transcripts: 3 prime UTR variant (2).
Genome position (GRCh38, 1-based): chr20:58,905,391, T deleted. VCF-style (leftmost placement, unchanged base first): chr20-58905390-AT-A. GRCh37 (hg19) VCF-style: chr20-57480445-AT-A.
Other names: c.444del, p.Phe147_Tyr148insTer (NM_001077488.5); c.396del, p.Phe131_Tyr132insTer (NM_001077489.4); c.*302del (NM_001077490.3); c.264del, p.Phe87_Tyr88insTer (NM_001309840.2, NM_001309861.2); c.345del, p.Phe114_Tyr115insTer (NM_001410912.1); c.2325del, p.Phe774_Tyr775insTer (NM_001410913.1); c.*347del (NM_016592.5); c.2370del, p.Phe789_Tyr790insTer (NM_080425.4); and 1 more.
Identifiers: ClinVar variation 2714009 (VCV002714009.3), dbSNP rs2517132560, ClinGen allele CA2697547431.